The following is an entry in ClinVar:

NM_001378454.1(ALMS1):c.9318T>G (p.Pro3106=)

Gene: ALMS1 (ALMS1 centrosome and basal body associated protein; plus strand). Cytogenetic location: 2p13.1.
Variant type: single nucleotide variant.
Coding change: c.9318T>G on transcript NM_001378454.1 (MANE Select); coding-DNA position 9318, T replaced by G.
Protein change: p.Pro3106=; no amino-acid change (proline 3106 retained).
Molecular consequence: synonymous variant.
Genome position (GRCh38, 1-based): chr2:73,491,277, T>G. VCF-style: chr2-73491277-T-G. GRCh37 (hg19) VCF-style: chr2-73718404-T-G.
Other names: c.9321T>G, p.Pro3107= (NM_015120.4).
Identifiers: ClinVar variation 512227 (VCV000512227.10), dbSNP rs771679163, ClinGen allele CA1714633.

ClinVar aggregate classification (germline): Likely benign. Review status: criteria provided, multiple submitters, no conflicts (2 of 4 stars). 3 submissions from 3 submitters: Likely benign (3). Last evaluated 2026-01-27.

Conditions:
Cardiovascular phenotype. Identifiers: MedGen CN230736.
Alstrom syndrome (ALMS). Identifiers: Orphanet 64, MedGen C0268425, MONDO:0008763, OMIM 203800.

Allele frequency attached by ClinVar (database versions not stated): gnomAD exomes below 0.00001; ExAC 0.00001; gnomAD 0.00001; TOPMed 0.00001.
gnomAD v4.1: 3 of 1,614,042 alleles (0.00019%); highest among the groups gnomAD compares: Non-Finnish European, 0.00025%; no homozygotes.

Submissions (3):

Labcorp Genetics (formerly Invitae), Labcorp
Classification: Likely benign for Alstrom syndrome. Last evaluated: 2026-01-27. Review status: criteria provided, single submitter. Criteria: Invitae Variant Classification Sherloc (09022015). Collection method: clinical testing. Allele origin: germline.

Ambry Genetics
Classification: Likely benign for Cardiovascular phenotype. Last evaluated: 2020-07-30. Review status: criteria provided, single submitter. Criteria: Ambry Variant Classification Scheme 2023. Collection method: clinical testing. Allele origin: germline.

GeneDx
Classification: Likely benign. Last evaluated: 2017-09-20. Review status: criteria provided, single submitter. Criteria: GeneDx Variant Classification (06012015). Collection method: clinical testing. Allele origin: germline. Affected: yes.
Comment: This variant is considered likely benign or benign based on one or more of the following criteria: it is a conservative change, it occurs at a poorly conserved position in the protein, it is predicted to be benign by multiple in silico algorithms, and/or has population frequency not consistent with disease.